The following is an entry in ClinVar:

NM_001267550.2(TTN):c.99552C>A (p.Thr33184=)

Genes: TTN (titin; minus strand), TTN-AS1 (TTN antisense RNA 1; plus strand). Cytogenetic location: 2q31.2.
Variant type: single nucleotide variant.
Coding change: c.99552C>A on transcript NM_001267550.2 (MANE Select); coding-DNA position 99552, C replaced by A.
Protein change: p.Thr33184=; no amino-acid change (threonine 33184 retained).
Molecular consequence: synonymous variant. On other transcripts: non-coding transcript variant (1).
Genome position (GRCh38, 1-based): chr2:178,537,655, G>T on the plus strand (C>A on the coding strand, the complement: TTN is on the minus strand). VCF-style: chr2-178537655-G-T. GRCh37 (hg19) VCF-style: chr2-179402382-G-T.
Other names: c.94629C>A, p.Thr31543= (NM_001256850.1); c.72357C>A, p.Thr24119= (NM_003319.4); c.91848C>A, p.Thr30616= (NM_133378.4); c.72732C>A, p.Thr24244= (NM_133432.3); c.72933C>A, p.Thr24311= (NM_133437.4).
Identifiers: ClinVar variation 513521 (VCV000513521.14), dbSNP rs775848810, ClinGen allele CA1986174.

ClinVar aggregate classification (germline): Likely benign. Review status: criteria provided, multiple submitters, no conflicts (2 of 4 stars). 4 submissions from 4 submitters: Likely benign (4). Last evaluated 2025-10-02.

Conditions:
Autosomal recessive limb-girdle muscular dystrophy type 2J (LGMDR10). Also called: Limb-girdle muscular dystrophy, type 2J; MUSCULAR DYSTROPHY, LIMB-GIRDLE, AUTOSOMAL RECESSIVE 10. Identifiers: Orphanet 140922, MedGen C1837342, MONDO:0012127, OMIM 608807.
Dilated cardiomyopathy 1G (CMD1G). Identifiers: Orphanet 154, MedGen C1858763, MONDO:0011400, OMIM 604145.
Cardiovascular phenotype. Identifiers: MedGen CN230736.

Allele frequency attached by ClinVar (database versions not stated): ExAC 0.00002; gnomAD 0.00002 and 0.00003; gnomAD exomes 0.00002; TOPMed 0.00003.
gnomAD v4.1: 32 of 1,613,614 alleles (0.002%); highest among the groups gnomAD compares: Middle Eastern, 0.016%; no homozygotes.

Submissions (4):

Labcorp Genetics (formerly Invitae), Labcorp
Classification: Likely benign for Dilated cardiomyopathy 1G; Autosomal recessive limb-girdle muscular dystrophy type 2J. Last evaluated: 2025-10-02. Review status: criteria provided, single submitter. Criteria: Invitae Variant Classification Sherloc (09022015). Collection method: clinical testing. Allele origin: germline.

Blueprint Genetics
Classification: Likely benign. Last evaluated: 2024-10-07. Review status: criteria provided, single submitter. Criteria: ACMG Guidelines, 2015. Collection method: clinical testing. Allele origin: germline.

Ambry Genetics
Classification: Likely benign for Cardiovascular phenotype. Last evaluated: 2023-05-27. Review status: criteria provided, single submitter. Criteria: Ambry Variant Classification Scheme 2023. Collection method: clinical testing. Allele origin: germline.

GeneDx
Classification: Likely benign. Last evaluated: 2017-11-14. Review status: criteria provided, single submitter. Criteria: GeneDx Variant Classification (06012015). Collection method: clinical testing. Allele origin: germline. Affected: yes.
Comment: This variant is considered likely benign or benign based on one or more of the following criteria: it is a conservative change, it occurs at a poorly conserved position in the protein, it is predicted to be benign by multiple in silico algorithms, and/or has population frequency not consistent with disease.